The following is an entry in ClinVar:

NM_152564.5(VPS13B):c.10209dup (p.Pro3404fs)

Gene: VPS13B (vacuolar protein sorting 13 homolog B; plus strand). Cytogenetic location: 8q22.2.
Variant type: Duplication.
Coding change: c.10209dup on transcript NM_152564.5 (MANE Select); coding-DNA position 10209, one base duplicated (T; older notation c.10209dupT).
Protein change: p.Pro3404fs; shifts the reading frame from proline 3404.
Molecular consequence: frameshift variant.
Genome position (GRCh38, 1-based): chr8:99,853,598, T duplicated. VCF-style (leftmost placement, unchanged base first): chr8-99853597-G-GT. GRCh37 (hg19) VCF-style: chr8-100865825-G-GT.
Other names: c.10284dup, p.Pro3429fs (NM_017890.5); short protein forms P3404fs, P3429fs.
Identifiers: ClinVar variation 2033466 (VCV002033466.4), dbSNP rs2492236950, ClinGen allele CA2580079335.

ClinVar aggregate classification (germline): Pathogenic (1 of 4 stars; one submission).

Conditions:
Cohen syndrome (COH1). Also called: PEPPER SYNDROME; Cutis verticis gyrata, retinitis pigmentosa, and sensorineural deafness. Identifiers: Orphanet 193, MedGen C0265223, MONDO:0008999, OMIM 216550.

Submission:

Labcorp Genetics (formerly Invitae), Labcorp
Classification: Pathogenic for Cohen syndrome. Last evaluated: 2022-09-30. Review status: criteria provided, single submitter. Criteria: Invitae Variant Classification Sherloc (09022015). Collection method: clinical testing. Allele origin: germline.
Comment: For these reasons, this variant has been classified as Pathogenic. This variant has not been reported in the literature in individuals affected with VPS13B-related conditions. This variant is not present in population databases (gnomAD no frequency). This sequence change creates a premature translational stop signal (p.Pro3429Serfs*13) in the VPS13B gene. It is expected to result in an absent or disrupted protein product. Loss-of-function variants in VPS13B are known to be pathogenic (PMID: 15141358, 16648375, 20461111).

Literature cited by the submitters: PubMed 15141358; PubMed 16648375; PubMed 20461111.